The following is an entry in ClinVar:

NM_001035.3(RYR2):c.11822G>A (p.Trp3941Ter)

Gene: RYR2 (ryanodine receptor 2; plus strand). Cytogenetic location: 1q43.
Variant type: single nucleotide variant.
Coding change: c.11822G>A on transcript NM_001035.3 (MANE Select); coding-DNA position 11822, G replaced by A.
Protein change: p.Trp3941Ter; replaces tryptophan 3941 with a stop codon.
Molecular consequence: nonsense.
Genome position (GRCh38, 1-based): chr1:237,778,712, G>A. VCF-style: chr1-237778712-G-A. GRCh37 (hg19) VCF-style: chr1-237942012-G-A.
Other names: short protein forms W3941*.
Identifiers: ClinVar variation 2572801 (VCV002572801.1), dbSNP rs1694860715, ClinGen allele CA345409229.

ClinVar aggregate classification (germline): Uncertain significance (1 of 4 stars; one submission).

Submission:

GeneDx
Classification: Uncertain significance. Last evaluated: 2023-01-11. Review status: criteria provided, single submitter. Criteria: GeneDx Variant Classification Process June 2021. Collection method: clinical testing. Allele origin: germline. Affected: yes.
Comment: Not observed at significant frequency in large population cohorts (gnomAD); Nonsense variant predicted to result in protein truncation or nonsense mediated decay in a gene or region of a gene for which loss of function is not a well-established mechanism of disease; Has not been previously published as pathogenic or benign to our knowledge